The following is an entry in ClinVar:

ClinVar aggregate classification (germline): Uncertain significance (1 of 4 stars; one submission).

Conditions:
Hereditary cancer-predisposing syndrome. Also called: Neoplastic Syndromes, Hereditary; Tumor predisposition; Hereditary Cancer Syndrome; Hereditary neoplastic syndrome. Identifiers: Orphanet 140162, MedGen C0027672, MeSH D009386, MONDO:0015356.

Submission:

Ambry Genetics
Classification: Uncertain significance for Hereditary cancer-predisposing syndrome. Last evaluated: 2022-04-22. Review status: criteria provided, single submitter. Criteria: Ambry Variant Classification Scheme 2023. Collection method: clinical testing. Allele origin: germline.
Comment: The p.T740R variant (also known as c.2219C>G), located in coding exon 17 of the POLD1 gene, results from a C to G substitution at nucleotide position 2219. The threonine at codon 740 is replaced by arginine, an amino acid with similar properties. This amino acid position is conserved. In addition, this alteration is predicted to be tolerated by in silico analysis. Since supporting evidence is limited at this time, the clinical significance of this alteration remains unclear.

NM_002691.4(POLD1):c.2219C>G (p.Thr740Arg)

Gene: POLD1 (DNA polymerase delta 1, catalytic subunit; plus strand). Cytogenetic location: 19q13.33.
Variant type: single nucleotide variant.
Coding change: c.2219C>G on transcript NM_002691.4 (MANE Select); coding-DNA position 2219, C replaced by G.
Protein change: p.Thr740Arg; replaces threonine 740 with arginine.
Molecular consequence: missense variant. On other transcripts: non-coding transcript variant (1).
Genome position (GRCh38, 1-based): chr19:50,413,490, C>G. VCF-style: chr19-50413490-C-G. GRCh37 (hg19) VCF-style: chr19-50916747-C-G.
Other names: c.2219C>G, p.Thr740Arg (NM_001256849.1); c.2297C>G, p.Thr766Arg (NM_001308632.1); short protein forms T766R, T740R.
Identifiers: ClinVar variation 1787881 (VCV001787881.2), dbSNP rs2514035946, ClinGen allele CA406983721.
Genomic context (GRCh38, chr19:50,413,490, plus strand): 5'-TCACGGGGTTCGGACGTCAGATGATCGAGAAAACCAAGCAGCTGGTGGAGTCTAAGTACA[C>G]AGTGGAGAATGGCTACAGCACCAGTGCCAAGGTCGGGGGCTGCCCACCGCTGCCCTGAGA-3'
Protein context (NP_002682.2, residues 730-750): KTKQLVESKY[Thr740Arg]VENGYSTSAK